The following is an entry in ClinVar:

NM_001042492.3(NF1):c.2047_2048delinsTT (p.Ala683Phe)

Gene: NF1 (neurofibromin 1; plus strand). Cytogenetic location: 17q11.2.
Variant type: Indel.
Coding change: c.2047_2048delinsTT on transcript NM_001042492.3 (MANE Select); coding-DNA positions 2047 to 2048, GC replaced by TT.
Protein change: p.Ala683Phe; replaces alanine 683 with phenylalanine.
Molecular consequence: missense variant.
Genome position (GRCh38, 1-based): chr17:31,226,480-31,226,481, GC replaced by TT. VCF-style: chr17-31226480-GC-TT. GRCh37 (hg19) VCF-style: chr17-29553498-GC-TT.
Other names: c.2047_2048delinsTT, p.Ala683Phe (NM_000267.4); short protein forms A683F.
Identifiers: ClinVar variation 4718461 (VCV004718461.1).
Genomic context (GRCh38, chr17:31,226,480, plus strand): 5'-ACCCTTGACTCTCAGGATAGTGCAGCAGGATGCAGCGGAACCCCCCCGATTTGCCGACAA[GC>TT]CCAGACCAAACTAGAAGTGGCCCTGTACATGTTTCTGTGGAACCCTGACACTGAAGCTGT-3'
Protein context (NP_001035957.1, residues 673-693): CSGTPPICRQ[Ala683Phe]QTKLEVALYM

ClinVar aggregate classification (germline): Uncertain significance (1 of 4 stars; one submission).

Conditions:
Neurofibromatosis, type 1 (NF1). Also called: NEUROFIBROMATOSIS, TYPE I, SOMATIC; VON RECKLINGHAUSEN DISEASE; Peripheral type neurofibromatosis; Neurofibromatosis, type I. Identifiers: Orphanet 636, MedGen C0027831, MONDO:0018975, OMIM 162200. Disease mechanism: loss of function.

Submission:

Labcorp Genetics (formerly Invitae), Labcorp
Classification: Uncertain significance for Neurofibromatosis, type 1. Last evaluated: 2025-06-04. Review status: criteria provided, single submitter. Criteria: Invitae Variant Classification Sherloc (09022015). Collection method: clinical testing. Allele origin: germline.
Comment: This sequence change replaces alanine, which is neutral and non-polar, with phenylalanine, which is neutral and non-polar, at codon 683 of the NF1 protein (p.Ala683Phe). Information on the frequency of this variant in the gnomAD database is not available, as this variant may be reported differently in the database. This variant has not been reported in the literature in individuals affected with NF1-related conditions. An algorithm developed to predict the effect of missense changes on protein structure and function (PolyPhen-2) suggests that this variant is likely to be disruptive. In summary, the available evidence is currently insufficient to determine the role of this variant in disease. Therefore, it has been classified as a Variant of Uncertain Significance.